The following is an entry in ClinVar:

ClinVar aggregate classification (germline): Conflicting classifications of pathogenicity. Review status: criteria provided, conflicting classifications (1 of 4 stars). 5 submissions from 4 submitters: Uncertain significance (1); Benign (2); Likely benign (2). Last evaluated 2026-04-27.

Conditions:
Factor XII deficiency disease. Also called: Reduced factor XII activity; Congenital factor XII deficiency; F12 DEFICIENCY; HAF DEFICIENCY. Identifiers: Orphanet 330, MedGen C0015526, MONDO:0009315, OMIM 234000, HP:0004841.
Hereditary angioedema type 3 (HAE3). Also called: ANGIONEUROTIC EDEMA, HEREDITARY, WITH NORMAL C1 INHIBITOR CONCENTRATION AND FUNCTION; ESTROGEN-RELATED HAE; ESTROGEN-SENSITIVE HAE; HAE WITH NORMAL C1 INHIBITOR CONCENTRATION AND FUNCTION. Identifiers: Orphanet 100054, MedGen C1857728, MONDO:0012526, OMIM 610618.
F12-related disorder. Also called: F12-related disorders; F12-related condition. Identifiers: MedGen CN239389.

Allele frequency attached by ClinVar (database versions not stated): gnomAD exomes 0.00010 and 0.00016; ExAC 0.00020; 1000 Genomes Project 0.00040; 1000 Genomes Project 30x 0.00047; ESP Exome Variant Server 0.00062; gnomAD 0.00066 and 0.00073; TOPMed 0.00080.
gnomAD v4.1: 253 of 1,613,894 alleles (0.016%); highest among the groups gnomAD compares: African/African-American, 0.3%; no homozygotes.

Submissions (5):

PreventionGenetics, part of Exact Sciences
Classification: Likely benign for F12-related condition. Last evaluated: 2026-04-27. Review status: criteria provided, single submitter. Criteria: ACMG Guidelines, 2015. Collection method: clinical testing. Allele origin: germline.
Comment: This variant is classified as likely benign based on ACMG/AMP sequence variant interpretation guidelines (Richards et al. 2015 PMID: 25741868, with internal and published modifications).

Labcorp Genetics (formerly Invitae), Labcorp
Classification: Benign. Last evaluated: 2025-04-24. Review status: criteria provided, single submitter. Criteria: Invitae Variant Classification Sherloc (09022015). Collection method: clinical testing. Allele origin: germline.

Blueprint Genetics
Classification: Likely benign. Last evaluated: 2024-02-08. Review status: criteria provided, single submitter. Criteria: ACMG Guidelines, 2015. Collection method: clinical testing. Allele origin: germline.

Illumina Laboratory Services, Illumina
Classification: Uncertain significance for Factor XII deficiency disease. Last evaluated: 2018-01-12. Review status: criteria provided, single submitter. Criteria: ICSL Variant Classification Criteria 13 December 2019. Collection method: clinical testing. Allele origin: germline.

Illumina Laboratory Services, Illumina
Classification: Benign for Hereditary angioedema type 3. Last evaluated: 2018-01-12. Review status: criteria provided, single submitter. Criteria: ICSL Variant Classification Criteria 13 December 2019. Collection method: clinical testing. Allele origin: germline.
Comment: This variant was observed in the ICSL laboratory as part of a predisposition screen in an ostensibly healthy population. It had not been previously curated by ICSL or reported in the Human Gene Mutation Database (HGMD: prior to June 1st, 2018), and was therefore a candidate for classification through an automated scoring system. Utilizing variant allele frequency, disease prevalence and penetrance estimates, and inheritance mode, an automated score was calculated to assess if this variant is too frequent to cause the disease. Based on the score and internal cut-off values, a variant classified as benign is not then subjected to further curation. The score for this variant resulted in a classification of benign for this disease.

NM_000505.4(F12):c.120C>T (p.Leu40=)

Gene: F12 (coagulation factor XII; minus strand). Cytogenetic location: 5q35.3.
Variant type: single nucleotide variant.
Coding change: c.120C>T on transcript NM_000505.4 (MANE Select); coding-DNA position 120, C replaced by T.
Protein change: p.Leu40=; no amino-acid change (leucine 40 retained).
Molecular consequence: synonymous variant.
Genome position (GRCh38, 1-based): chr5:177,406,057, G>A on the plus strand (C>T on the coding strand, the complement: F12 is on the minus strand). VCF-style: chr5-177406057-G-A. GRCh37 (hg19) VCF-style: chr5-176833058-G-A.
Identifiers: ClinVar variation 904551 (VCV000904551.9), dbSNP rs149368999, ClinGen allele CA3581606.